The following is an entry in ClinVar:

ClinVar aggregate classification (germline): Uncertain significance (1 of 4 stars; one submission).

Conditions:
Inborn genetic diseases. Identifiers: MedGen C0950123, MeSH D030342.

gnomAD v4.1: 1 of 1,614,134 alleles (0.000062%); highest among the groups gnomAD compares: Non-Finnish European, 0.000085%; no homozygotes.

Submission:

Ambry Genetics
Classification: Uncertain significance for Inborn genetic diseases. Last evaluated: 2026-06-12. Review status: criteria provided, single submitter. Criteria: Ambry Variant Classification Scheme 2023. Collection method: clinical testing. Allele origin: germline.
Comment: The p.Y151C variant (also known as c.452A>G), located in coding exon 6 of the DDX41 gene, results from an A to G substitution at nucleotide position 452. The tyrosine at codon 151 is replaced by cysteine, an amino acid with highly dissimilar properties. This amino acid position is highly conserved in available vertebrate species. In addition, the in silico prediction for this alteration is inconclusive. Based on the available evidence, the clinical significance of this variant remains unclear.

NM_016222.4(DDX41):c.452A>G (p.Tyr151Cys)

Gene: DDX41 (DEAD-box helicase 41; minus strand). Cytogenetic location: 5q35.3.
Variant type: single nucleotide variant.
Coding change: c.452A>G on transcript NM_016222.4 (MANE Select); coding-DNA position 452, A replaced by G.
Protein change: p.Tyr151Cys; replaces tyrosine 151 with cysteine.
Molecular consequence: missense variant.
Genome position (GRCh38, 1-based): chr5:177,515,804, T>C on the plus strand (A>G on the coding strand, the complement: DDX41 is on the minus strand). VCF-style: chr5-177515804-T-C. GRCh37 (hg19) VCF-style: chr5-176942805-T-C.
Other names: c.74A>G, p.Tyr25Cys (NM_001321732.2, NM_001321830.2); short protein forms Y151C, Y25C.
Identifiers: ClinVar variation 4869696 (VCV004869696.1).
Genomic context (GRCh38, chr5:177,515,804, plus strand): 5'-ACCAGGATGTGGTATTTCTTCCGCACGCGCTCATGTCGCTCTTCAGACATGCTCAGAACA[T>C]AACGGGGTGGAGTCCAGCTGTGGATGGGTAACAGGGATCAAGAGAGCCCTGGGAATAGCT-3'
Protein context (NP_057306.2, residues 141-161): PIKTSWTPPR[Tyr151Cys]VLSMSEERHE